The following is an entry in ClinVar:

ClinVar aggregate classification (germline): Likely pathogenic (1 of 4 stars; one submission).

Conditions:
Isolated focal cortical dysplasia type IIa. Also called: Focal cortical dysplasia of Taylor type 2A. Identifiers: Orphanet 269001, MedGen C1846386, MONDO:0017101.

Submission:

Human Genome Lab, NIMHANS, National Institute of Mental Health and Neuro Sciences
Classification: Likely pathogenic for Isolated focal cortical dysplasia type IIa. Last evaluated: 2024-10-24. Review status: criteria provided, single submitter. Criteria: ACMG Guidelines, 2015. Collection method: clinical testing. Allele origin: germline. Affected: yes. Observed: 1 variant allele.
Comment: The frameshift deletion NM_001077350.3(NPRL3):c.1174delC (p.Gln392Argfs*21) is not currently classified as pathogenic or benign in clinical sources. The p.Gln392Argfs*21 variant is novel (not in any individuals) in 1kG All. The p.Gln392Argfs*21 variant is novel (not in any individuals) in gnomAD4-Joint-Variant Frequencies. This variant is predicted to cause loss of normal protein function through protein truncation caused a frameshift mutation. The frame shifted sequence continues 21 residues until a stop codon is reached. This variant is a frameshift variant which occurs in an exon of NPRL3 upstream of where nonsense mediated decay is predicted to occur. There are 27 downstream pathogenic loss of function variants, with the furthest variant being 113 residues downstream of this variant. This indicates that the region is critical to protein function. The p.Gln392Argfs*21 variant is a loss of function variant in the gene NPRL3, which is intolerant of Loss of Function variants, as indicated by the presence of existing pathogenic loss of function variant NP_001070818.1:p.S6Afs*5 and 103 others. For these reasons, this variant has been classified as Likely Pathogenic. (ACMG Criteria: PM2 PVS1)

NM_001077350.3(NPRL3):c.1174del (p.Gln392fs)

Genes: HBA-LCR (alpha-globin locus control region; plus strand), NPRL3 (NPR3 like, GATOR1 complex subunit; minus strand). Cytogenetic location: 16p13.3.
Variant type: Deletion.
Coding change: c.1174del on transcript NM_001077350.3 (MANE Select); coding-DNA position 1174, one base deleted (C; older notation c.1174delC).
Protein change: p.Gln392fs; shifts the reading frame from glutamine 392.
Molecular consequence: frameshift variant.
Genome position (GRCh38, 1-based): chr16:89,890, G deleted on the plus strand (C on the coding strand, the reverse complement: NPRL3 is on the minus strand); the first of 2 consecutive G bases (chr16:89,890-89,891); deleting either gives the same sequence. VCF-style (leftmost placement, unchanged base first): chr16-89889-TG-T. GRCh37 (hg19) VCF-style: chr16-139887-TG-T.
Other names: c.637del, p.Gln213fs (NM_001039476.3); c.940del, p.Gln314fs (NM_001243247.2); c.1099del, p.Gln367fs (NM_001243248.2, NM_001243249.2); c.1174delC (NM_001077350.3); short protein forms Q213fs, Q314fs, Q367fs, Q392fs.
Identifiers: ClinVar variation 4879365 (VCV004879365.1).